The following is an entry in ClinVar:

NM_020937.4(FANCM):c.695T>A (p.Leu232Gln)

Gene: FANCM (FA complementation group M; plus strand). Cytogenetic location: 14q21.2.
Variant type: single nucleotide variant.
Coding change: c.695T>A on transcript NM_020937.4 (MANE Select); coding-DNA position 695, T replaced by A.
Protein change: p.Leu232Gln; replaces leucine 232 with glutamine.
Molecular consequence: missense variant. On other transcripts: intron variant (1).
Genome position (GRCh38, 1-based): chr14:45,140,645, T>A. VCF-style: chr14-45140645-T-A. GRCh37 (hg19) VCF-style: chr14-45609848-T-A.
Other names: c.695T>A, p.Leu232Gln (NM_001308134.2); c.681+3404T>A (NM_001308133.2); short protein forms L232Q.
Identifiers: ClinVar variation 1056721 (VCV001056721.9), dbSNP rs2139118252, ClinGen allele CA389589056.

ClinVar aggregate classification (germline): Uncertain significance (1 of 4 stars; one submission).

Conditions:
Fanconi anemia (FA). Also called: Fanconi's anemia. Identifiers: Orphanet 84, MedGen C0015625, MeSH D005199, MONDO:0019391.

Submission:

Labcorp Genetics (formerly Invitae), Labcorp
Classification: Uncertain significance for Fanconi anemia. Last evaluated: 2020-07-08. Review status: criteria provided, single submitter. Criteria: Invitae Variant Classification Sherloc (09022015). Collection method: clinical testing. Allele origin: germline.
Comment: Algorithms developed to predict the effect of missense changes on protein structure and function are either unavailable or do not agree on the potential impact of this missense change (SIFT: "Deleterious"; PolyPhen-2: "Probably Damaging"; Align-GVGD: "Class C0"). This sequence change replaces leucine with glutamine at codon 232 of the FANCM protein (p.Leu232Gln). The leucine residue is moderately conserved and there is a moderate physicochemical difference between leucine and glutamine. This variant is not present in population databases (ExAC no frequency). This variant has not been reported in the literature in individuals with FANCM-related conditions. In summary, the available evidence is currently insufficient to determine the role of this variant in disease. Therefore, it has been classified as a Variant of Uncertain Significance.